The following is an entry in ClinVar:

ClinVar aggregate classification (germline): Likely benign (1 of 4 stars; one submission).

Allele frequency attached by ClinVar (database versions not stated): gnomAD exomes 0.00008 and 0.00025; ExAC 0.00032; gnomAD 0.00081 and 0.00085; TOPMed 0.00091; ESP Exome Variant Server 0.00131; 1000 Genomes Project 0.00140; 1000 Genomes Project 30x 0.00172.
gnomAD v4.1: 250 of 1,610,810 alleles (0.016%); highest among the groups gnomAD compares: African/African-American, 0.29%; no homozygotes.

Submission:

GeneDx
Classification: Likely benign. Last evaluated: 2020-11-16. Review status: criteria provided, single submitter. Criteria: GeneDx Variant Classification Process June 2021. Collection method: clinical testing. Allele origin: germline. Affected: yes.
Comment: Has not been previously published as pathogenic or benign to our knowledge

NM_152263.4(TPM3):c.244-6756G>A

Genes: TPM3 (tropomyosin 3; minus strand), LOC129931497 (ATAC-STARR-seq lymphoblastoid active region 1773; plus strand). Cytogenetic location: 1q21.3.
Variant type: single nucleotide variant.
Coding change: c.244-6756G>A on transcript NM_152263.4 (MANE Select); 6756 bases into the intron before coding-DNA position 244, G replaced by A.
Molecular consequence: intron variant. On other transcripts: missense variant (9), non-coding transcript variant (1).
Genome position (GRCh38, 1-based): chr1:154,183,004, C>T on the plus strand (G>A on the coding strand, the complement: TPM3 is on the minus strand). VCF-style: chr1-154183004-C-T. GRCh37 (hg19) VCF-style: chr1-154155480-C-T.
Other names: c.116G>A, p.Arg39Lys (NM_001043351.2, NM_001043352.2, NM_001043353.2 and 5 more transcripts); c.52G>A, p.Gly18Ser (NM_001278188.2); c.244-6756G>A (NM_001364679.2, NM_001364681.2, NM_001364680.2 and 1 more transcripts); short protein forms G18S, R39K.
Identifiers: ClinVar variation 1207535 (VCV001207535.3), dbSNP rs115672744, ClinGen allele CA1125766.